The following is an entry in ClinVar:

ClinVar aggregate classification (germline): Uncertain significance (1 of 4 stars; one submission).

Conditions:
Hypercholesterolemia, autosomal dominant, type B (FHCL2). Also called: Hyperlipoproteinemia Type IIb; Familial Hypercholesterolemia Type B; APOLIPOPROTEIN B-100, FAMILIAL DEFECTIVE; APOLIPOPROTEIN B-100, FAMILIAL LIGAND-DEFECTIVE; Familial hypercholesterolemia 2; APOB-Related Familial Hypercholesterolemia, Autosomal Dominant. Identifiers: MedGen C1704417, MONDO:0007751, OMIM 144010.
Familial hypobetalipoproteinemia 1. Also called: Hypobetalipoproteinemia, normotriglyceridemic; Acanthocytosis with hypobetalipoproteinemia; APOB-Related Familial Hypobetalipoproteinemia. Identifiers: MedGen C4551990, MONDO:0014252, OMIM 615558.

Submission:

Labcorp Genetics (formerly Invitae), Labcorp
Classification: Uncertain significance for Familial hypobetalipoproteinemia 1; Hypercholesterolemia, autosomal dominant, type B. Last evaluated: 2018-03-28. Review status: criteria provided, single submitter. Criteria: Invitae Variant Classification Sherloc (09022015). Collection method: clinical testing. Allele origin: germline.
Comment: In summary, the available evidence is currently insufficient to determine the role of this variant in disease. Therefore, it has been classified as a Variant of Uncertain Significance. Algorithms developed to predict the effect of missense changes on protein structure and function do not agree on the potential impact of this missense change (SIFT: "Deleterious"; PolyPhen-2: "Probably Damaging"; Align-GVGD: "Class C0"). This variant has not been reported in the literature in individuals with APOB-related disease. This variant is present in population databases (rs776319722, ExAC 0.01%). This sequence change replaces glycine with glutamic acid at codon 138 of the APOB protein (p.Gly138Glu). The glycine residue is moderately conserved and there is a moderate physicochemical difference between glycine and glutamic acid.

NM_000384.3(APOB):c.413G>A (p.Gly138Glu)

Gene: APOB (apolipoprotein B; minus strand). Cytogenetic location: 2p24.1.
Variant type: single nucleotide variant.
Coding change: c.413G>A on transcript NM_000384.3 (MANE Select); coding-DNA position 413, G replaced by A.
Protein change: p.Gly138Glu; replaces glycine 138 with glutamic acid.
Molecular consequence: missense variant.
Genome position (GRCh38, 1-based): chr2:21,038,082, C>T on the plus strand (G>A on the coding strand, the complement: APOB is on the minus strand). VCF-style: chr2-21038082-C-T. GRCh37 (hg19) VCF-style: chr2-21260954-C-T.
Other names: short protein forms G138E.
Identifiers: ClinVar variation 576040 (VCV000576040.11), dbSNP rs776319722, ClinGen allele CA060550.